The following is an entry in ClinVar:

ClinVar aggregate classification (germline): Uncertain significance (1 of 4 stars; one submission).

Allele frequency attached by ClinVar (database versions not stated): gnomAD exomes below 0.00001 and 0.00001; ExAC 0.00001; gnomAD 0.00001; TOPMed 0.00001.

Submission:

Labcorp Genetics (formerly Invitae), Labcorp
Classification: Uncertain significance. Last evaluated: 2022-02-05. Review status: criteria provided, single submitter. Criteria: Invitae Variant Classification Sherloc (09022015). Collection method: clinical testing. Allele origin: germline.
Comment: In summary, the available evidence is currently insufficient to determine the role of this variant in disease. Therefore, it has been classified as a Variant of Uncertain Significance. Algorithms developed to predict the effect of missense changes on protein structure and function are either unavailable or do not agree on the potential impact of this missense change (SIFT: "Deleterious"; PolyPhen-2: "Benign"; Align-GVGD: "Class C0"). This variant has not been reported in the literature in individuals affected with MOCS2B-related conditions. This variant is present in population databases (rs766056977, gnomAD 0.002%). This sequence change replaces glutamic acid, which is acidic and polar, with lysine, which is basic and polar, at codon 41 of the MOCS2B protein (p.Glu41Lys).

NM_004531.5(MOCS2):c.121G>A (p.Glu41Lys)

Gene: MOCS2 (molybdenum cofactor synthesis 2; minus strand). Cytogenetic location: 5q11.2.
Variant type: single nucleotide variant.
Coding change: c.121G>A on transcript NM_004531.5 (MANE Select); coding-DNA position 121, G replaced by A.
Protein change: p.Glu41Lys; replaces glutamic acid 41 with lysine.
Molecular consequence: missense variant. On other transcripts: 3 prime UTR variant (1).
Genome position (GRCh38, 1-based): chr5:53,102,202, C>T on the plus strand (G>A on the coding strand, the complement: MOCS2 is on the minus strand). VCF-style: chr5-53102202-C-T. GRCh37 (hg19) VCF-style: chr5-52398032-C-T.
Other names: c.*41G>A (NM_176806.4); short protein forms E41K.
Identifiers: ClinVar variation 1514077 (VCV001514077.7), dbSNP rs766056977, ClinGen allele CA3263711.
Genomic context (GRCh38, chr5:53,102,202, plus strand): 5'-GTGAGACTTCATCTACTGAAAGTTTCTCGGCAGTAAAGTTTATAACATCTTTAGATTTCT[C>T]TTCAACTTCATCCATATCTTTCCTAGAAATAATACATTAACAAACCTTAACAGAAGTCCT-3'
Protein context (NP_004522.1, residues 31-51): PSRKDMDEVE[Glu41Lys]KSKDVINFTA